The following is an entry in ClinVar:

ClinVar aggregate classification (germline): Uncertain significance (1 of 4 stars; one submission).

Submission:

GeneDx
Classification: Uncertain significance. Last evaluated: 2023-11-18. Review status: criteria provided, single submitter. Criteria: GeneDx Variant Classification Process June 2021. Collection method: clinical testing. Allele origin: germline. Affected: yes.
Comment: Not observed at significant frequency in large population cohorts (gnomAD); In silico analysis supports that this missense variant does not alter protein structure/function; Has not been previously published as pathogenic or benign to our knowledge

NM_001197104.2(KMT2A):c.5021A>G (p.Asp1674Gly)

Gene: KMT2A (lysine methyltransferase 2A; plus strand). Cytogenetic location: 11q23.3.
Variant type: single nucleotide variant.
Coding change: c.5021A>G on transcript NM_001197104.2 (MANE Select); coding-DNA position 5021, A replaced by G.
Protein change: p.Asp1674Gly; replaces aspartic acid 1674 with glycine.
Molecular consequence: missense variant.
Genome position (GRCh38, 1-based): chr11:118,493,073, A>G. VCF-style: chr11-118493073-A-G. GRCh37 (hg19) VCF-style: chr11-118363788-A-G.
Other names: c.5111A>G, p.Asp1704Gly (NM_001412597.1); c.5012A>G, p.Asp1671Gly (NM_005933.4); short protein forms D1671G, D1674G, D1704G.
Identifiers: ClinVar variation 3364457 (VCV003364457.1).